The following is an entry in ClinVar:

ClinVar aggregate classification (germline): Uncertain significance. Review status: criteria provided, multiple submitters, no conflicts (2 of 4 stars). 2 submissions from 2 submitters: Uncertain significance (2). Last evaluated 2025-07-27.

Submissions (2):

Labcorp Genetics (formerly Invitae), Labcorp
Classification: Uncertain significance. Last evaluated: 2025-07-27. Review status: criteria provided, single submitter. Criteria: Invitae Variant Classification Sherloc (09022015). Collection method: clinical testing. Allele origin: germline.
Comment: This variant, c.10177_10179dup, results in the insertion of 1 amino acid(s) of the VCAN protein (p.Glu3393dup), but otherwise preserves the integrity of the reading frame. This variant is not present in population databases (gnomAD no frequency). This variant has not been reported in the literature in individuals affected with VCAN-related conditions. In summary, the available evidence is currently insufficient to determine the role of this variant in disease. Therefore, it has been classified as a Variant of Uncertain Significance.

Blueprint Genetics
Classification: Uncertain significance. Last evaluated: 2022-08-19. Review status: criteria provided, single submitter. Criteria: ACMG Guidelines, 2015. Collection method: clinical testing. Allele origin: germline.

NM_004385.5(VCAN):c.10177_10179dup (p.Glu3393_Ser3394insGlu)

Gene: VCAN (versican; plus strand). Cytogenetic location: 5q14.3.
Variant type: Duplication.
Coding change: c.10177_10179dup on transcript NM_004385.5 (MANE Select); coding-DNA positions 10177 to 10179, 3 bases duplicated (GAG; older notation c.10177_10179dupGAG).
Protein change: p.Glu3393_Ser3394insGlu.
Genome position (GRCh38, 1-based): chr5:83,580,420-83,580,422, GAG duplicated; duplicating any 3 consecutive bases within chr5:83,580,418-83,580,422 gives the same sequence; the c. name uses the placement nearest the transcript's 3' end. VCF-style (leftmost placement, unchanged base first): chr5-83580417-C-CAGG. GRCh37 (hg19) VCF-style: chr5-82876236-C-CAGG.
Other names: c.1954_1956dup, p.Glu652_Ser653insGlu (NM_001126336.3); c.7216_7218dup, p.Glu2406_Ser2407insGlu (NM_001164097.2); c.4915_4917dup, p.Glu1639_Ser1640insGlu (NM_001164098.2).
Identifiers: ClinVar variation 4768276 (VCV004768276.2).